The following is an entry in ClinVar:

NM_001868.4(CPA1):c.1069A>G (p.Ile357Val)

Gene: CPA1 (carboxypeptidase A1; plus strand). Cytogenetic location: 7q32.2.
Variant type: single nucleotide variant.
Coding change: c.1069A>G on transcript NM_001868.4 (MANE Select); coding-DNA position 1069, A replaced by G.
Protein change: p.Ile357Val; replaces isoleucine 357 with valine.
Molecular consequence: missense variant.
Genome position (GRCh38, 1-based): chr7:130,385,920, A>G. VCF-style: chr7-130385920-A-G. GRCh37 (hg19) VCF-style: chr7-130025761-A-G.
Other names: short protein forms I357V.
Identifiers: ClinVar variation 2622136 (VCV002622136.3), dbSNP rs782706719, ClinGen allele CA4485040.

ClinVar aggregate classification (germline): Uncertain significance (1 of 4 stars; one submission).

Conditions:
Hereditary pancreatitis (PCTT). Also called: PRSS1-Related Hereditary Pancreatitis; Hereditary chronic pancreatitis. Identifiers: Orphanet 676, MedGen C0238339, MONDO:0008185, OMIM 167800.

Allele frequency attached by ClinVar (database versions not stated): ExAC 0.00001; TOPMed 0.00001.

Submission:

Ambry Genetics
Classification: Uncertain significance for Hereditary pancreatitis. Last evaluated: 2025-08-30. Review status: criteria provided, single submitter. Criteria: Ambry Variant Classification Scheme 2023. Collection method: clinical testing. Allele origin: germline.
Comment: The p.I357V variant (also known as c.1069A>G), located in coding exon 9 of the CPA1 gene, results from an A to G substitution at nucleotide position 1069. The isoleucine at codon 357 is replaced by valine, an amino acid with highly similar properties. This amino acid position is conserved. In addition, this alteration is predicted to be tolerated by in silico analysis. Since supporting evidence is limited at this time, the clinical significance of this alteration remains unclear.